The following is an entry in ClinVar:

ClinVar aggregate classification (germline): Likely benign (1 of 4 stars; one submission).

Allele frequency attached by ClinVar (database versions not stated): ExAC 0.00126; 1000 Genomes Project 0.00260; 1000 Genomes Project 30x 0.00281; gnomAD 0.00299; ESP Exome Variant Server 0.00361; TOPMed 0.00369.
gnomAD v4.1: 1,354 of 1,613,142 alleles (0.084%); highest among the groups gnomAD compares: African/African-American, 0.86%; 3 homozygotes.

Submission:

CeGaT Center for Human Genetics Tuebingen
Classification: Likely benign. Last evaluated: 2023-07-01. Review status: criteria provided, single submitter. Criteria: CeGaT Center For Human Genetics Tuebingen Variant Classification Criteria Version 2. Collection method: clinical testing. Allele origin: germline. Affected: yes. Observed: 1 variant allele.
Comment: RASSF1: BP4

NM_007182.5(RASSF1):c.357+630C>T

Gene: RASSF1 (Ras association domain family member 1; minus strand). Cytogenetic location: 3p21.31.
Variant type: single nucleotide variant.
Coding change: c.357+630C>T on transcript NM_007182.5 (MANE Select); 630 bases into the intron after coding-DNA position 357, C replaced by T.
Molecular consequence: intron variant. On other transcripts: synonymous variant (1).
Genome position (GRCh38, 1-based): chr3:50,337,275, G>A on the plus strand (C>T on the coding strand, the complement: RASSF1 is on the minus strand). VCF-style: chr3-50337275-G-A. GRCh37 (hg19) VCF-style: chr3-50374706-G-A.
Other names: c.45C>T, p.Ser15= (NM_170713.3); c.-97+3281C>T (NM_001206957.2); c.369+630C>T (NM_170714.2); c.-97+630C>T (NM_170712.3).
Identifiers: ClinVar variation 2653857 (VCV002653857.24), dbSNP rs149932910, ClinGen allele CA2416764.